The following is an entry in ClinVar:

ClinVar aggregate classification (germline): Uncertain significance (1 of 4 stars; one submission).

Conditions:
Baller-Gerold syndrome (BGS). Also called: CRANIOSYNOSTOSIS WITH RADIAL DEFECTS. Identifiers: Orphanet 1225, MedGen C0265308, MONDO:0009039, OMIM 218600.

Allele frequency attached by ClinVar (database versions not stated): gnomAD exomes below 0.00001.
gnomAD v4.1: 2 of 1,607,640 alleles (0.00012%); highest among the groups gnomAD compares: South Asian, 0.0011%; no homozygotes.

Submission:

Labcorp Genetics (formerly Invitae), Labcorp
Classification: Uncertain significance for Baller-Gerold syndrome. Last evaluated: 2021-12-17. Review status: criteria provided, single submitter. Criteria: Invitae Variant Classification Sherloc (09022015). Collection method: clinical testing. Allele origin: germline.
Comment: Algorithms developed to predict the effect of missense changes on protein structure and function output the following: SIFT: "Not Available"; PolyPhen-2: "Not Available"; Align-GVGD: "Not Available". The isoleucine amino acid residue is found in multiple mammalian species, which suggests that this missense change does not adversely affect protein function. ClinVar contains an entry for this variant (Variation ID: 653051). This variant has not been reported in the literature in individuals affected with RECQL4-related conditions. This variant is present in population databases (no rsID available, gnomAD 0.0009%). This sequence change replaces methionine, which is neutral and non-polar, with isoleucine, which is neutral and non-polar, at codon 578 of the RECQL4 protein (p.Met578Ile). In summary, the available evidence is currently insufficient to determine the role of this variant in disease. Therefore, it has been classified as a Variant of Uncertain Significance.

NM_004260.4(RECQL4):c.1734G>A (p.Met578Ile)

Gene: RECQL4 (RecQ like helicase 4; minus strand). Cytogenetic location: 8q24.3.
Variant type: single nucleotide variant.
Coding change: c.1734G>A on transcript NM_004260.4 (MANE Select); coding-DNA position 1734, G replaced by A.
Protein change: p.Met578Ile; replaces methionine 578 with isoleucine.
Molecular consequence: missense variant.
Genome position (GRCh38, 1-based): chr8:144,514,333, C>T on the plus strand (G>A on the coding strand, the complement: RECQL4 is on the minus strand). VCF-style: chr8-144514333-C-T. GRCh37 (hg19) VCF-style: chr8-145739717-C-T.
Other names: short protein forms M578I.
Identifiers: ClinVar variation 653051 (VCV000653051.5), dbSNP rs1416552093, ClinGen allele CA372681180.